The following is an entry in ClinVar:

ClinVar aggregate classification (germline): Uncertain significance (1 of 4 stars; one submission).

Conditions:
PRPH2-related disorder. Also called: PRPH2-related condition; PRPH2-related disorders. Identifiers: MedGen CN239395.

Allele frequency attached by ClinVar (database versions not stated): TOPMed below 0.00001; gnomAD 0.00001; gnomAD exomes 0.00001.
gnomAD v4.1: 11 of 1,614,020 alleles (0.00068%); highest among the groups gnomAD compares: South Asian, 0.0022%; no homozygotes.

Submission:

Labcorp Genetics (formerly Invitae), Labcorp
Classification: Uncertain significance for PRPH2-related disorder. Last evaluated: 2022-07-11. Review status: criteria provided, single submitter. Criteria: Invitae Variant Classification Sherloc (09022015). Collection method: clinical testing. Allele origin: germline.
Comment: In summary, the available evidence is currently insufficient to determine the role of this variant in disease. Therefore, it has been classified as a Variant of Uncertain Significance. Advanced modeling of protein sequence and biophysical properties (such as structural, functional, and spatial information, amino acid conservation, physicochemical variation, residue mobility, and thermodynamic stability) performed at Invitae indicates that this missense variant is not expected to disrupt PRPH2 protein function. ClinVar contains an entry for this variant (Variation ID: 854378). This variant has not been reported in the literature in individuals affected with PRPH2-related conditions. This variant is not present in population databases (gnomAD no frequency). This sequence change replaces glutamic acid, which is acidic and polar, with lysine, which is basic and polar, at codon 335 of the PRPH2 protein (p.Glu335Lys).

NM_000322.5(PRPH2):c.1003G>A (p.Glu335Lys)

Gene: PRPH2 (peripherin 2; minus strand). Cytogenetic location: 6p21.1.
Variant type: single nucleotide variant.
Coding change: c.1003G>A on transcript NM_000322.5 (MANE Select); coding-DNA position 1003, G replaced by A.
Protein change: p.Glu335Lys; replaces glutamic acid 335 with lysine.
Molecular consequence: missense variant.
Genome position (GRCh38, 1-based): chr6:42,698,333, C>T on the plus strand (G>A on the coding strand, the complement: PRPH2 is on the minus strand). VCF-style: chr6-42698333-C-T. GRCh37 (hg19) VCF-style: chr6-42666071-C-T.
Other names: short protein forms E335K.
Identifiers: ClinVar variation 854378 (VCV000854378.9), dbSNP rs1166310608, ClinGen allele CA364132684.